The following is an entry in ClinVar:

NM_001278116.2(L1CAM):c.1894C>G (p.Arg632Gly)

Gene: L1CAM (L1 cell adhesion molecule; minus strand). Cytogenetic location: Xq28.
Variant type: single nucleotide variant.
Coding change: c.1894C>G on transcript NM_001278116.2 (MANE Select); coding-DNA position 1894, C replaced by G.
Protein change: p.Arg632Gly; replaces arginine 632 with glycine.
Molecular consequence: missense variant.
Genome position (GRCh38, 1-based): chrX:153,867,845, G>C on the plus strand (C>G on the coding strand, the complement: L1CAM is on the minus strand). VCF-style: chrX-153867845-G-C. GRCh37 (hg19) VCF-style: chrX-153133300-G-C.
Other names: c.1894C>G, p.Arg632Gly (NM_000425.5, NM_024003.3); c.1879C>G, p.Arg627Gly (NM_001143963.2); short protein forms R627G, R632G.
Identifiers: ClinVar variation 1307002 (VCV001307002.6), dbSNP rs782367123, ClinGen allele CA415122641.
Genomic context (GRCh38, chrX:153,867,845, plus strand): 5'-GCTCAAGCCTCTTACTCTCAATGGGGGCATTGTGGTCTTCTGCAGGACTCCAGGACACGC[G>C]CACCTGGCTCTGCGTCAGCAGGTGCAGGTCGGACAGCACCAGCCGTGGCACCGGCCCAGG-3'
Protein context (NP_001265045.1, residues 622-642): DLHLLTQSQV[Arg632Gly]VSWSPAEDHN

ClinVar aggregate classification (germline): Conflicting classifications of pathogenicity. Review status: criteria provided, conflicting classifications (1 of 4 stars). 4 submissions from 4 submitters: Uncertain significance (3); Likely benign (1). Last evaluated 2025-11-25.

Conditions:
Spastic paraplegia. Identifiers: MedGen C0037772, HP:0001258.

Allele frequency attached by ClinVar (database versions not stated): TOPMed below 0.00001; gnomAD 0.00001.

Submissions (4):

Women's Health and Genetics/Laboratory Corporation of America, LabCorp
Classification: Uncertain significance. Last evaluated: 2025-11-25. Review status: criteria provided, single submitter. Criteria: LabCorp Variant Classification Summary - May 2015. Collection method: clinical testing. Allele origin: germline.
Comment: Variant summary: L1CAM c.1894C>G (p.Arg632Gly) results in a non-conservative amino acid change in the encoded protein sequence. Algorithms developed to predict the effect of missense changes on protein structure and function are either unavailable or do not agree on the potential impact of this missense change. The variant was absent in 180178 control chromosomes. The available data on variant occurrences in the general population are insufficient to allow any conclusion about variant significance. To our knowledge, no occurrence of c.1894C>G in individuals affected with L1CAM-related conditions and no experimental evidence demonstrating its impact on protein function have been reported. ClinVar contains an entry for this variant (Variation ID: 1307002). Based on the evidence outlined above, the variant was classified as uncertain significance.

Labcorp Genetics (formerly Invitae), Labcorp
Classification: Uncertain significance for Spastic paraplegia. Last evaluated: 2025-05-18. Review status: criteria provided, single submitter. Criteria: Invitae Variant Classification Sherloc (09022015). Collection method: clinical testing. Allele origin: germline.
Comment: This sequence change replaces arginine, which is basic and polar, with glycine, which is neutral and non-polar, at codon 632 of the L1CAM protein (p.Arg632Gly). This variant is not present in population databases (gnomAD no frequency). This variant has not been reported in the literature in individuals affected with L1CAM-related conditions. ClinVar contains an entry for this variant (Variation ID: 1307002). Invitae Evidence Modeling of protein sequence and biophysical properties (such as structural, functional, and spatial information, amino acid conservation, physicochemical variation, residue mobility, and thermodynamic stability) indicates that this missense variant is not expected to disrupt L1CAM protein function with a negative predictive value of 95%. In summary, the available evidence is currently insufficient to determine the role of this variant in disease. Therefore, it has been classified as a Variant of Uncertain Significance.

Blueprint Genetics
Classification: Likely benign. Last evaluated: 2024-10-30. Review status: criteria provided, single submitter. Criteria: ACMG Guidelines, 2015. Collection method: clinical testing. Allele origin: germline.

GeneDx
Classification: Uncertain significance. Last evaluated: 2019-07-20. Review status: criteria provided, single submitter. Criteria: GeneDx Variant Classification Process June 2021. Collection method: clinical testing. Allele origin: germline. Affected: yes.
Comment: Not observed in large population cohorts (Lek et al., 2016); In silico analysis, which includes protein predictors and evolutionary conservation, supports a deleterious effect; Has not been previously published as pathogenic or benign to our knowledge; A different missense change at this residue (R632P) has been reported in a family with L1 syndrome (Vits et al., 1998)